The following is an entry in ClinVar:

NM_001458.5(FLNC):c.2389+6C>T

Gene: FLNC (filamin C; plus strand). Cytogenetic location: 7q32.1.
Variant type: single nucleotide variant.
Coding change: c.2389+6C>T on transcript NM_001458.5 (MANE Select); 6 bases into the intron after coding-DNA position 2389, C replaced by T.
Molecular consequence: intron variant.
Genome position (GRCh38, 1-based): chr7:128,842,704, C>T. VCF-style: chr7-128842704-C-T. GRCh37 (hg19) VCF-style: chr7-128482758-C-T.
Other names: c.2389+6C>T (NM_001127487.2).
Identifiers: ClinVar variation 4812740 (VCV004812740.1).

ClinVar aggregate classification (germline): Uncertain significance (1 of 4 stars; one submission).

Conditions:
Hypertrophic cardiomyopathy 26. Also called: Cardiomyopathy, familial hypertrophic, 26. Identifiers: Orphanet 75249, MedGen C4310749, MONDO:0014883, OMIM 617047.
Myofibrillar myopathy 5. Also called: Filaminopathy (type); FILAMINOPATHY, AUTOSOMAL DOMINANT. Identifiers: Orphanet 171445, MedGen C1836050, MONDO:0012289, OMIM 609524.
Distal myopathy with posterior leg and anterior hand involvement. Also called: WILLIAMS DISTAL MYOPATHY. Identifiers: Orphanet 63273, MedGen C3279722, MONDO:0013550, OMIM 614065.

gnomAD v4.1: 2 of 1,557,198 alleles (0.00013%); highest among the groups gnomAD compares: Non-Finnish European, 0.00017%; no homozygotes.

Submission:

Labcorp Genetics (formerly Invitae), Labcorp
Classification: Uncertain significance for Distal myopathy with posterior leg and anterior hand involvement; Myofibrillar myopathy 5; Hypertrophic cardiomyopathy 26. Last evaluated: 2025-11-05. Review status: criteria provided, single submitter. Criteria: Invitae Variant Classification Sherloc (09022015). Collection method: clinical testing. Allele origin: germline.
Comment: This sequence change falls in intron 15 of the FLNC gene. It does not directly change the encoded amino acid sequence of the FLNC protein. It affects a nucleotide within the consensus splice site. This variant is not present in population databases (gnomAD no frequency). This variant has not been reported in the literature in individuals affected with FLNC-related conditions. Variants that disrupt the consensus splice site are a relatively common cause of aberrant splicing (PMID: 17576681, 9536098). Algorithms developed to predict the effect of sequence changes on RNA splicing suggest that this variant is not likely to affect RNA splicing. In summary, the available evidence is currently insufficient to determine the role of this variant in disease. Therefore, it has been classified as a Variant of Uncertain Significance.

Literature cited by the submitters: PubMed 17576681; PubMed 9536098.